The following is an entry in ClinVar:

ClinVar aggregate classification (germline): Conflicting classifications of pathogenicity. Review status: criteria provided, conflicting classifications (1 of 4 stars). 2 submissions from 2 submitters: Uncertain significance (1); Likely benign (1). Last evaluated 2025-03-03.

Conditions:
Hereditary cancer-predisposing syndrome. Also called: Neoplastic Syndromes, Hereditary; Hereditary Cancer Syndrome; Tumor predisposition; Hereditary neoplastic syndrome. Identifiers: Orphanet 140162, MedGen C0027672, MeSH D009386, MONDO:0015356.
Lynch syndrome. Identifiers: Orphanet 144, MedGen C4552100, MONDO:0005835. Disease mechanism: loss of function.

Submissions (2):

Ambry Genetics
Classification: Likely benign for Hereditary cancer-predisposing syndrome. Last evaluated: 2025-03-03. Review status: criteria provided, single submitter. Criteria: Ambry Variant Classification Scheme 2023. Collection method: clinical testing. Allele origin: germline.

All of Us Research Program, National Institutes of Health
Classification: Uncertain significance for Lynch syndrome. Last evaluated: 2024-07-20. Review status: criteria provided, single submitter. Criteria: ACMG Guidelines, 2015. Collection method: clinical testing. Allele origin: germline. Inheritance: Autosomal dominant inheritance. Observed: 1 variant allele, 1 heterozygote.
Comment: This missense variant replaces leucine with valine at codon 542 of the MSH6 protein. Computational prediction suggests that this variant may not impact protein structure and function (internally defined REVEL score threshold <= 0.5, PMID: 27666373). To our knowledge, functional studies have not been reported for this variant. This variant has been reported in an individual affected with colorectal cancer that was microsatellite stable and had normal protein expression via immunohistochemistry (PMID: 25142776). This variant has not been identified in the general population by the Genome Aggregation Database (gnomAD). The available evidence is insufficient to determine the role of this variant in disease conclusively. Therefore, this variant is classified as a Variant of Uncertain Significance.

This study involves interpretation of variants in research participants for the purpose of population health screening. Participant phenotype was not available at the time of variant classification. Additional details can be found in publication PMID: 35346344, PMCID: PMC8962531

Literature cited by the submitters: PubMed 25142776 (cited by Ambry Genetics and All of Us Research Program, National Institutes of Health).

NM_000179.3(MSH6):c.1624C>G (p.Leu542Val)

Gene: MSH6 (mutS homolog 6; plus strand). Cytogenetic location: 2p16.3.
Variant type: single nucleotide variant.
Coding change: c.1624C>G on transcript NM_000179.3 (MANE Select); coding-DNA position 1624, C replaced by G.
Protein change: p.Leu542Val; replaces leucine 542 with valine.
Molecular consequence: missense variant. On other transcripts: non-coding transcript variant (4), intron variant (2).
Genome position (GRCh38, 1-based): chr2:47,799,607, C>G. VCF-style: chr2-47799607-C-G. GRCh37 (hg19) VCF-style: chr2-48026746-C-G.
Other names: c.1234C>G, p.Leu412Val (NM_001281492.2); c.718C>G, p.Leu240Val (NM_001281493.2, NM_001281494.2, NM_001406811.1 and 6 more transcripts); c.1720C>G, p.Leu574Val (NM_001406795.1, NM_001406802.1); c.1624C>G, p.Leu542Val (NM_001406796.1, NM_001406798.1, NM_001406800.1 and 3 more transcripts); c.1327C>G, p.Leu443Val (NM_001406797.1, NM_001406801.1, NM_001406805.1 and 10 more transcripts); c.1099C>G, p.Leu367Val (NM_001406799.1, NM_001406806.1, NM_001406807.1); c.1546C>G, p.Leu516Val (NM_001406804.1); c.1630C>G, p.Leu544Val (NM_001406813.1); and 3 more; short protein forms L240V, L367V, L412V, L443V, L486V, L516V, L542V, L544V.
Identifiers: ClinVar variation 3387062 (VCV003387062.2).